The following is an entry in ClinVar:

ClinVar aggregate classification (germline): Pathogenic (1 of 4 stars; one submission).

Conditions:
Glycogen storage disease, type V (GSD5). Also called: MCARDLE DISEASE; MUSCLE GLYCOGEN PHOSPHORYLASE DEFICIENCY; MYOPHOSPHORYLASE DEFICIENCY; PYGM DEFICIENCY; McArdle type glycogen storage disease. Identifiers: Orphanet 368, MedGen C0017924, MONDO:0009293, OMIM 232600.

Submission:

Myriad Genetics, Inc.
Classification: Pathogenic for Glycogen storage disease, type V. Last evaluated: 2023-09-14. Review status: criteria provided, single submitter. Criteria: Myriad Autosomal Dominant, Autosomal Recessive and X-Linked Classification Criteria (2023). Collection method: clinical testing. Allele origin: unknown.
Comment: NM_005609.2(PYGM):c.1345_1352del8(G449Rfs*23) is expected to be pathogenic in the context of glycogen storage disease, PYGM-related. This variant is predicted to lead to an abnormal or absent protein product due to the creation of a premature termination codon in PYGM, a gene where loss-of-function variants are known to be pathogenic. Please note: this variant was assessed in the context of healthy population screening.

NM_005609.4(PYGM):c.1345_1352del (p.Gly449fs)

Gene: PYGM (glycogen phosphorylase, muscle associated; minus strand). Cytogenetic location: 11q13.1.
Variant type: Deletion.
Coding change: c.1345_1352del on transcript NM_005609.4 (MANE Select); coding-DNA positions 1345 to 1352, 8 bases deleted (GGGTCGCA; older notation c.1345_1352delGGGTCGCA).
Protein change: p.Gly449fs; shifts the reading frame from glycine 449.
Molecular consequence: frameshift variant.
Genome position (GRCh38, 1-based): chr11:64,753,570-64,753,577, TGCGACCC deleted on the plus strand (GGGTCGCA on the coding strand, the reverse complement: PYGM is on the minus strand). VCF-style (leftmost placement, unchanged base first): chr11-64753569-GTGCGACCC-G. GRCh37 (hg19) VCF-style: chr11-64521041-GTGCGACCC-G.
Other names: c.1081_1088del, p.Gly361fs (NM_001164716.1); short protein forms G361fs, G449fs.
Identifiers: ClinVar variation 5011666 (VCV005011666.1).
Genomic context (GRCh38, chr11:64,753,569, plus strand): 5'-CGGGGCTCACATGGTCTTCTTGAGGATCTCGGAGTGGATGCGCGCCACGCCGTTGACGGC[GTGCGACCC>G]CGCGATGCACAGGTGTGCCATGTTGATGCGCTTCACTGCGCCCTCCTCCACCAGCGACAT-3'